The following is an entry in ClinVar:

NM_002485.5(NBN):c.1272G>A (p.Met424Ile)

Gene: NBN (nibrin; minus strand). Cytogenetic location: 8q21.3.
Variant type: single nucleotide variant.
Coding change: c.1272G>A on transcript NM_002485.5 (MANE Select); coding-DNA position 1272, G replaced by A.
Protein change: p.Met424Ile; replaces methionine 424 with isoleucine.
Molecular consequence: missense variant.
Genome position (GRCh38, 1-based): chr8:89,955,408, C>T on the plus strand (G>A on the coding strand, the complement: NBN is on the minus strand). VCF-style: chr8-89955408-C-T. GRCh37 (hg19) VCF-style: chr8-90967636-C-T.
Other names: c.1026G>A, p.Met342Ile (NM_001024688.3); short protein forms M342I, M424I.
Identifiers: ClinVar variation 1999154 (VCV001999154.5), dbSNP rs2488243839, ClinGen allele CA371656223.

ClinVar aggregate classification (germline): Uncertain significance. Review status: criteria provided, multiple submitters, no conflicts (2 of 4 stars). 2 submissions from 2 submitters: Uncertain significance (2). Last evaluated 2026-03-03.

Conditions:
Microcephaly, normal intelligence and immunodeficiency (NBS). Also called: SEEMANOVA SYNDROME II; Immunodeficiency, microcephaly with normal intelligence; IMMUNODEFICIENCY, MICROCEPHALY, AND CHROMOSOMAL INSTABILITY; Nijmegen breakage syndrome; Microcephaly with normal intelligence immunodeficiency and lymphoreticular malignancies; Nonsyndromal microcephaly autosomal recessive with normal intelligence. Identifiers: Orphanet 647, MedGen C0398791, MONDO:0009623, OMIM 251260.
Hereditary cancer-predisposing syndrome. Also called: Neoplastic Syndromes, Hereditary; Tumor predisposition; Hereditary Cancer Syndrome; Hereditary neoplastic syndrome. Identifiers: Orphanet 140162, MedGen C0027672, MeSH D009386, MONDO:0015356.

Submissions (2):

Ambry Genetics
Classification: Uncertain significance for Hereditary cancer-predisposing syndrome. Last evaluated: 2026-03-03. Review status: criteria provided, single submitter. Criteria: Ambry Variant Classification Scheme 2023. Collection method: clinical testing. Allele origin: germline.
Comment: The p.M424I variant (also known as c.1272G>A), located in coding exon 10 of the NBN gene, results from a G to A substitution at nucleotide position 1272. The methionine at codon 424 is replaced by isoleucine, an amino acid with highly similar properties. This amino acid position is conserved. In addition, this alteration is predicted to be tolerated by in silico analysis. Based on the available evidence, the clinical significance of this variant remains unclear.

Labcorp Genetics (formerly Invitae), Labcorp
Classification: Uncertain significance for Microcephaly, normal intelligence and immunodeficiency. Last evaluated: 2022-05-26. Review status: criteria provided, single submitter. Criteria: Invitae Variant Classification Sherloc (09022015). Collection method: clinical testing. Allele origin: germline.
Comment: In summary, the available evidence is currently insufficient to determine the role of this variant in disease. Therefore, it has been classified as a Variant of Uncertain Significance. Algorithms developed to predict the effect of missense changes on protein structure and function (SIFT, PolyPhen-2, Align-GVGD) all suggest that this variant is likely to be tolerated. This variant has not been reported in the literature in individuals affected with NBN-related conditions. This variant is not present in population databases (gnomAD no frequency). This sequence change replaces methionine, which is neutral and non-polar, with isoleucine, which is neutral and non-polar, at codon 424 of the NBN protein (p.Met424Ile).